The following is an entry in ClinVar:

NM_005228.5(EGFR):c.3572_3573delinsAG (p.Thr1191Lys)

Gene: EGFR (epidermal growth factor receptor; plus strand). Cytogenetic location: 7p11.2.
Variant type: Indel.
Coding change: c.3572_3573delinsAG on transcript NM_005228.5 (MANE Select); coding-DNA positions 3572 to 3573, CA replaced by AG.
Protein change: p.Thr1191Lys; replaces threonine 1191 with lysine.
Molecular consequence: missense variant.
Genome position (GRCh38, 1-based): chr7:55,205,556-55,205,557, CA replaced by AG. VCF-style: chr7-55205556-CA-AG. GRCh37 (hg19) VCF-style: chr7-55273249-CA-AG.
Other names: c.3437_3438delinsAG, p.Thr1146Lys (NM_001346899.2); c.3413_3414delinsAG, p.Thr1138Lys (NM_001346900.2); c.2771_2772delinsAG, p.Thr924Lys (NM_001346941.2); short protein forms T1138K, T924K, T1146K, T1191K.
Identifiers: ClinVar variation 4723430 (VCV004723430.1).

ClinVar aggregate classification (germline): Uncertain significance (1 of 4 stars; one submission).

Conditions:
EGFR-related lung cancer (EGFR). Identifiers: MedGen CN130014.

Submission:

Labcorp Genetics (formerly Invitae), Labcorp
Classification: Uncertain significance for EGFR-related lung cancer. Last evaluated: 2025-07-18. Review status: criteria provided, single submitter. Criteria: Invitae Variant Classification Sherloc (09022015). Collection method: clinical testing. Allele origin: germline.
Comment: This sequence change replaces threonine, which is neutral and polar, with lysine, which is basic and polar, at codon 1191 of the EGFR protein (p.Thr1191Lys). Information on the frequency of this variant in the gnomAD database is not available, as this variant may be reported differently in the database. This variant has not been reported in the literature in individuals affected with EGFR-related conditions. An algorithm developed to predict the effect of missense changes on protein structure and function (PolyPhen-2) suggests that this variant is likely to be tolerated. In summary, the available evidence is currently insufficient to determine the role of this variant in disease. Therefore, it has been classified as a Variant of Uncertain Significance.